The following is an entry in ClinVar:

NM_000553.6(WRN):c.1205T>C (p.Leu402Pro)

Gene: WRN (WRN RecQ like helicase; plus strand). Cytogenetic location: 8p12.
Variant type: single nucleotide variant.
Coding change: c.1205T>C on transcript NM_000553.6 (MANE Select); coding-DNA position 1205, T replaced by C.
Protein change: p.Leu402Pro; replaces leucine 402 with proline.
Molecular consequence: missense variant.
Genome position (GRCh38, 1-based): chr8:31,081,232, T>C. VCF-style: chr8-31081232-T-C. GRCh37 (hg19) VCF-style: chr8-30938748-T-C.
Other names: short protein forms L402P.
Identifiers: ClinVar variation 1436879 (VCV001436879.6), dbSNP rs2130121190, ClinGen allele CA370921255.

ClinVar aggregate classification (germline): Uncertain significance (1 of 4 stars; one submission).

Conditions:
Werner syndrome (WRN). Identifiers: Orphanet 902, MedGen C0043119, MONDO:0010196, OMIM 277700.

Submission:

Labcorp Genetics (formerly Invitae), Labcorp
Classification: Uncertain significance for Werner syndrome. Last evaluated: 2020-12-18. Review status: criteria provided, single submitter. Criteria: Invitae Variant Classification Sherloc (09022015). Collection method: clinical testing. Allele origin: germline.
Comment: In summary, the available evidence is currently insufficient to determine the role of this variant in disease. Therefore, it has been classified as a Variant of Uncertain Significance. Algorithms developed to predict the effect of missense changes on protein structure and function are either unavailable or do not agree on the potential impact of this missense change (SIFT: "Not Available"; PolyPhen-2: "Probably Damaging"; Align-GVGD: "Not Available"). This variant has not been reported in the literature in individuals with WRN-related conditions. This variant is not present in population databases (ExAC no frequency). This sequence change replaces leucine with proline at codon 402 of the WRN protein (p.Leu402Pro). The leucine residue is highly conserved and there is a moderate physicochemical difference between leucine and proline.